The following is an entry in ClinVar:

NM_001458.5(FLNC):c.43G>A (p.Gly15Ser)

Gene: FLNC (filamin C; plus strand). Cytogenetic location: 7q32.1.
Variant type: single nucleotide variant.
Coding change: c.43G>A on transcript NM_001458.5 (MANE Select); coding-DNA position 43, G replaced by A.
Protein change: p.Gly15Ser; replaces glycine 15 with serine.
Molecular consequence: missense variant.
Genome position (GRCh38, 1-based): chr7:128,830,680, G>A. VCF-style: chr7-128830680-G-A. GRCh37 (hg19) VCF-style: chr7-128470734-G-A.
Other names: c.43G>A (NM_001458.4); c.43G>A, p.Gly15Ser (NM_001127487.2); short protein forms G15S.
Identifiers: ClinVar variation 1001194 (VCV001001194.11), dbSNP rs1263243888, ClinGen allele CA369215481.

ClinVar aggregate classification (germline): Uncertain significance. Review status: criteria provided, multiple submitters, no conflicts (2 of 4 stars). 3 submissions from 3 submitters: Uncertain significance (2). 1 of the submissions does not count toward it. Last evaluated 2025-11-05.

Conditions:
Myofibrillar myopathy 5. Also called: FILAMINOPATHY, AUTOSOMAL DOMINANT; Filaminopathy (type). Identifiers: Orphanet 171445, MedGen C1836050, MONDO:0012289, OMIM 609524.
Hypertrophic cardiomyopathy 26. Also called: Cardiomyopathy, familial hypertrophic, 26. Identifiers: Orphanet 75249, MedGen C4310749, MONDO:0014883, OMIM 617047.
Distal myopathy with posterior leg and anterior hand involvement. Also called: WILLIAMS DISTAL MYOPATHY. Identifiers: Orphanet 63273, MedGen C3279722, MONDO:0013550, OMIM 614065.
Cardiovascular phenotype. Identifiers: MedGen CN230736.
FLNC-related disorder. Also called: FLNC-related disorders; FLNC-related condition.

Allele frequency attached by ClinVar (database versions not stated): gnomAD exomes below 0.00001; gnomAD 0.00001.
gnomAD v4.1: 2 of 1,612,624 alleles (0.00012%); highest among the groups gnomAD compares: African/African-American, 0.0013%; no homozygotes.

Submissions (3):

Labcorp Genetics (formerly Invitae), Labcorp
Classification: Uncertain significance for Distal myopathy with posterior leg and anterior hand involvement; Myofibrillar myopathy 5; Hypertrophic cardiomyopathy 26. Last evaluated: 2025-11-05. Review status: criteria provided, single submitter. Criteria: Invitae Variant Classification Sherloc (09022015). Collection method: clinical testing. Allele origin: germline.
Comment: This sequence change replaces glycine, which is neutral and non-polar, with serine, which is neutral and polar, at codon 15 of the FLNC protein (p.Gly15Ser). This variant is present in population databases (no rsID available, gnomAD 0.0009%). This variant has not been reported in the literature in individuals affected with FLNC-related conditions. ClinVar contains an entry for this variant (Variation ID: 1001194). An algorithm developed to predict the effect of missense changes on protein structure and function (PolyPhen-2) suggests that this variant is likely to be tolerated. In summary, the available evidence is currently insufficient to determine the role of this variant in disease. Therefore, it has been classified as a Variant of Uncertain Significance.

Ambry Genetics
Classification: Uncertain significance for Cardiovascular phenotype. Last evaluated: 2024-12-20. Review status: criteria provided, single submitter. Criteria: Ambry Variant Classification Scheme 2023. Collection method: clinical testing. Allele origin: germline.
Comment: The p.G15S variant (also known as c.43G>A), located in coding exon 1 of the FLNC gene, results from a G to A substitution at nucleotide position 43. The glycine at codon 15 is replaced by serine, an amino acid with similar properties. This amino acid position is conserved. In addition, this alteration is predicted to be tolerated by in silico analysis. Based on the available evidence, the clinical significance of this variant remains unclear.

PreventionGenetics, part of Exact Sciences
Classification: Uncertain significance for FLNC-related condition. Last evaluated: 2024-06-26. Review status: no assertion criteria provided. Collection method: clinical testing. Allele origin: germline. Not counted in ClinVar's aggregate classification.
Comment: The FLNC c.43G>A variant is predicted to result in the amino acid substitution p.Gly15Ser. To our knowledge, this variant has not been reported in the literature. This variant is reported in 0.00090% of alleles in individuals of European (Non-Finnish) descent in gnomAD. At this time, the clinical significance of this variant is uncertain due to the absence of conclusive functional and genetic evidence.